The following is an entry in ClinVar:

ClinVar aggregate classification (germline): Uncertain significance. Review status: criteria provided, multiple submitters, no conflicts (2 of 4 stars). 8 submissions from 8 submitters: Uncertain significance (8). Last evaluated 2026-01-24.

Conditions:
Inborn genetic diseases. Identifiers: MedGen C0950123, MeSH D030342.
Hereditary spastic paraplegia. Also called: Familial spastic paraparesis. Identifiers: Orphanet 685, MedGen C0037773, MONDO:0019064. Disease mechanism: loss of function.
Hereditary spastic paraplegia 50 (SPG50). Also called: Spastic paraplegia 50, autosomal recessive. Identifiers: Orphanet 280763, MedGen C2752008, MONDO:0013048, OMIM 612936.

Allele frequency attached by ClinVar (database versions not stated): ExAC 0.00021; gnomAD 0.00021 and 0.00023; gnomAD exomes 0.00022; TOPMed 0.00022; ESP Exome Variant Server 0.00031.
gnomAD v4.1: 345 of 1,613,980 alleles (0.021%); highest among the groups gnomAD compares: Non-Finnish European, 0.027%; no homozygotes.

Submissions (8):

Labcorp Genetics (formerly Invitae), Labcorp
Classification: Uncertain significance for Hereditary spastic paraplegia 50. Last evaluated: 2026-01-24. Review status: criteria provided, single submitter. Criteria: Invitae Variant Classification Sherloc (09022015). Collection method: clinical testing. Allele origin: germline.
Comment: This sequence change replaces threonine, which is neutral and polar, with methionine, which is neutral and non-polar, at codon 127 of the AP4M1 protein (p.Thr127Met). This variant is present in population databases (rs147261925, gnomAD 0.05%). This variant has not been reported in the literature in individuals affected with AP4M1-related conditions. ClinVar contains an entry for this variant (Variation ID: 376829). Invitae Evidence Modeling of protein sequence and biophysical properties (such as structural, functional, and spatial information, amino acid conservation, physicochemical variation, residue mobility, and thermodynamic stability) indicates that this missense variant is not expected to disrupt AP4M1 protein function with a negative predictive value of 95%. In summary, the available evidence is currently insufficient to determine the role of this variant in disease. Therefore, it has been classified as a Variant of Uncertain Significance.

GeneDx
Classification: Uncertain significance. Last evaluated: 2025-05-12. Review status: criteria provided, single submitter. Criteria: GeneDx Variant Classification Process June 2021. Collection method: clinical testing. Allele origin: germline. Affected: yes.
Comment: In silico analysis supports that this missense variant has a deleterious effect on protein structure/function; Has not been previously published as pathogenic or benign to our knowledge

Blueprint Genetics
Classification: Uncertain significance. Last evaluated: 2024-09-17. Review status: criteria provided, single submitter. Criteria: ACMG Guidelines, 2015. Collection method: clinical testing. Allele origin: germline.

CeGaT Center for Human Genetics Tuebingen
Classification: Uncertain significance. Last evaluated: 2024-01-01. Review status: criteria provided, single submitter. Criteria: CeGaT Center For Human Genetics Tuebingen Variant Classification Criteria Version 2. Collection method: clinical testing. Allele origin: germline. Affected: yes. Observed: 2 variant alleles.
Comment: AP4M1: PM2

Ambry Genetics
Classification: Uncertain significance for Inborn genetic diseases. Last evaluated: 2021-07-15. Review status: criteria provided, single submitter. Criteria: Ambry Variant Classification Scheme 2023. Collection method: clinical testing. Allele origin: germline.

Mayo Clinic Laboratories, Mayo Clinic
Classification: Uncertain significance. Last evaluated: 2020-11-12. Review status: criteria provided, single submitter. Criteria: ACMG Guidelines, 2015. Collection method: clinical testing. Allele origin: germline. Observed: 1 variant allele.

Center for Pediatric Genomic Medicine, Children's Mercy Hospital and Clinics
Classification: Uncertain significance. Last evaluated: 2017-01-05. Review status: criteria provided, single submitter. Criteria: ACMG Guidelines, 2015. Collection method: clinical testing. Allele origin: germline.
ClinVar note: Converted during submission from Uncertain Significance to Uncertain significance.

Genome Diagnostics Laboratory, The Hospital for Sick Children
Classification: Uncertain significance for Hereditary spastic paraplegia. Last evaluated: 2016-12-12. Review status: criteria provided, single submitter. Criteria: ACMG Guidelines, 2015. Collection method: clinical testing. Allele origin: germline. Affected: yes.

NM_004722.4(AP4M1):c.380C>T (p.Thr127Met)

Gene: AP4M1 (adaptor related protein complex 4 subunit mu 1; plus strand). Cytogenetic location: 7q22.1.
Variant type: single nucleotide variant.
Coding change: c.380C>T on transcript NM_004722.4 (MANE Select); coding-DNA position 380, C replaced by T.
Protein change: p.Thr127Met; replaces threonine 127 with methionine.
Molecular consequence: missense variant.
Genome position (GRCh38, 1-based): chr7:100,103,437, C>T. VCF-style: chr7-100103437-C-T. GRCh37 (hg19) VCF-style: chr7-99701060-C-T.
Other names: c.401C>T, p.Thr134Met (NM_001363671.2); short protein forms T127M, T134M.
Identifiers: ClinVar variation 376829 (VCV000376829.54), dbSNP rs147261925, ClinGen allele CA4374604.